The following is an entry in ClinVar:

NM_004360.5(CDH1):c.2439+7A>G

Gene: CDH1 (cadherin 1; plus strand). Cytogenetic location: 16q22.1.
Variant type: single nucleotide variant.
Coding change: c.2439+7A>G on transcript NM_004360.5 (MANE Select); 7 bases into the intron after coding-DNA position 2439, A replaced by G.
Molecular consequence: intron variant.
Genome position (GRCh38, 1-based): chr16:68,829,804, A>G. VCF-style: chr16-68829804-A-G. GRCh37 (hg19) VCF-style: chr16-68863707-A-G.
Other names: c.891+7A>G (NM_001317185.2); c.474+7A>G (NM_001317186.2); c.2256+7A>G (NM_001317184.2).
Identifiers: ClinVar variation 3378675 (VCV003378675.1).
Genomic context (GRCh38, chr16:68,829,804, plus strand): 5'-CGGTATCTTCCCCGCCCTGCCAATCCCGATGAAATTGGAAATTTTATTGATGAAGTAAGT[A>G]ATCCACGTGGAAAGCCAAAGCATGGCTCATCTCTAAGCTCAGGAGGAGTTGTGTCAAAAA-3'

ClinVar aggregate classification (germline): Likely benign (1 of 4 stars; one submission).

Conditions:
Hereditary diffuse gastric adenocarcinoma (HDGC). Also called: DIFFUSE GASTRIC AND LOBULAR BREAST CANCER SYNDROME. Identifiers: Orphanet 26106, MedGen C1708349, MONDO:0007648, OMIM 137215.

Submission:

Myriad Genetics, Inc.
Classification: Likely benign for Hereditary diffuse gastric adenocarcinoma. Last evaluated: 2024-09-23. Review status: criteria provided, single submitter. Criteria: Myriad Autosomal Dominant, Autosomal Recessive and X-Linked Classification Criteria (2023). Collection method: clinical testing. Allele origin: unknown.
Comment: This variant is considered likely benign. This variant is intronic and is not expected to impact mRNA splicing.